The following is an entry in ClinVar:

NM_001378414.1(HDAC4):c.2550C>T (p.Asn850=)

Gene: HDAC4 (histone deacetylase 4; minus strand). Cytogenetic location: 2q37.3.
Variant type: single nucleotide variant.
Coding change: c.2550C>T on transcript NM_001378414.1 (MANE Select); coding-DNA position 2550, C replaced by T.
Protein change: p.Asn850=; no amino-acid change (asparagine 850 retained).
Molecular consequence: synonymous variant.
Genome position (GRCh38, 1-based): chr2:239,082,204, G>A on the plus strand (C>T on the coding strand, the complement: HDAC4 is on the minus strand). VCF-style: chr2-239082204-G-A. GRCh37 (hg19) VCF-style: chr2-240003900-G-A.
Other names: c.2550C>T, p.Asn850= (NM_001378415.1); c.2535C>T, p.Asn845= (NM_001378416.1, NM_001378417.1, NM_006037.4).
Identifiers: ClinVar variation 702174 (VCV000702174.7), dbSNP rs370274367, ClinGen allele CA2199331.
Genomic context (GRCh38, chr2:239,082,204, plus strand): 5'-GTAGCGGTGGAGGGACATGTACAGGACGCTGGGGTCGCTGTAGAAAGCCTGCTGGGTCCC[G>A]TTTCCATGGTGCACGTCCTTAAAGAGCAGGGACAACTACTTCAGGGCTGAGGCAGGTATT-3'
Protein context (NP_001365343.1, residues 840-860): LIVDWDVHHG[Asn850=]GTQQAFYSDP

ClinVar aggregate classification (germline): Likely benign. Review status: criteria provided, single submitter (1 of 4 stars). 2 submissions from 2 submitters: Likely benign (1). 1 of the submissions does not count toward it. Last evaluated 2024-08-08.

Conditions:
HDAC4-related disorder. Also called: HDAC4-related condition.

Allele frequency attached by ClinVar (database versions not stated): ExAC 0.00002; gnomAD exomes 0.00002 and 0.00007; gnomAD 0.00003; TOPMed 0.00003; ESP Exome Variant Server 0.00008.
gnomAD v4.1: 111 of 1,614,096 alleles (0.0069%); highest among the groups gnomAD compares: South Asian, 0.011%; no homozygotes.

Submissions (2):

Labcorp Genetics (formerly Invitae), Labcorp
Classification: Likely benign. Last evaluated: 2024-08-08. Review status: criteria provided, single submitter. Criteria: Invitae Variant Classification Sherloc (09022015). Collection method: clinical testing. Allele origin: germline.

PreventionGenetics, part of Exact Sciences
Classification: Likely benign for HDAC4-related condition. Last evaluated: 2019-05-24. Review status: no assertion criteria provided. Collection method: clinical testing. Allele origin: germline. Not counted in ClinVar's aggregate classification.
Comment: This variant is classified as likely benign based on ACMG/AMP sequence variant interpretation guidelines (Richards et al. 2015 PMID: 25741868, with internal and published modifications).